The following is an entry in ClinVar:

ClinVar aggregate classification (germline): Uncertain significance. Review status: criteria provided, multiple submitters, no conflicts (2 of 4 stars). 2 submissions from 2 submitters: Uncertain significance (2). Last evaluated 2023-10-05.

Conditions:
Charcot-Marie-Tooth disease type 2. Also called: Charcot-Marie-Tooth type 2. Identifiers: Orphanet 64746, MedGen C0270914, MONDO:0018993.

Submissions (2):

Ambry Genetics
Classification: Uncertain significance. Last evaluated: 2023-10-05. Review status: criteria provided, single submitter. Criteria: Ambry Variant Classification Scheme 2023. Collection method: clinical testing. Allele origin: germline.
Comment: The p.P762S variant (also known as c.2284C>T), located in coding exon 22 of the KIF1B gene, results from a C to T substitution at nucleotide position 2284. The proline at codon 762 is replaced by serine, an amino acid with similar properties. This amino acid position is conserved. In addition, this alteration is predicted to be tolerated by in silico analysis. Since supporting evidence is limited at this time, the clinical significance of this alteration remains unclear.

Labcorp Genetics (formerly Invitae), Labcorp
Classification: Uncertain significance for Charcot-Marie-Tooth disease type 2. Last evaluated: 2022-10-13. Review status: criteria provided, single submitter. Criteria: Invitae Variant Classification Sherloc (09022015). Collection method: clinical testing. Allele origin: germline.
Comment: In summary, the available evidence is currently insufficient to determine the role of this variant in disease. Therefore, it has been classified as a Variant of Uncertain Significance. Advanced modeling of protein sequence and biophysical properties (such as structural, functional, and spatial information, amino acid conservation, physicochemical variation, residue mobility, and thermodynamic stability) performed at Invitae indicates that this missense variant is not expected to disrupt KIF1B protein function. This variant has not been reported in the literature in individuals affected with KIF1B-related conditions. This variant is not present in population databases (gnomAD no frequency). This sequence change replaces proline, which is neutral and non-polar, with serine, which is neutral and polar, at codon 762 of the KIF1B protein (p.Pro762Ser).

NM_001365951.3(KIF1B):c.2422C>T (p.Pro808Ser)

Gene: KIF1B (kinesin family member 1B; plus strand). Cytogenetic location: 1p36.22.
Variant type: single nucleotide variant.
Coding change: c.2422C>T on transcript NM_001365951.3 (MANE Select); coding-DNA position 2422, C replaced by T.
Protein change: p.Pro808Ser; replaces proline 808 with serine.
Molecular consequence: missense variant.
Genome position (GRCh38, 1-based): chr1:10,323,947, C>T. VCF-style: chr1-10323947-C-T. GRCh37 (hg19) VCF-style: chr1-10384005-C-T.
Other names: c.2422C>T, p.Pro808Ser (NM_001365952.1); c.2284C>T, p.Pro762Ser (NM_015074.3); short protein forms P762S, P808S.
Identifiers: ClinVar variation 1721536 (VCV001721536.6), dbSNP rs1651620115, ClinGen allele CA338334593.